The following is an entry in ClinVar:

ClinVar aggregate classification (germline): Uncertain significance. Review status: criteria provided, multiple submitters, no conflicts (2 of 4 stars). 3 submissions from 3 submitters: Uncertain significance (3). Last evaluated 2025-09-10.

Conditions:
Inborn genetic diseases. Identifiers: MedGen C0950123, MeSH D030342.
Vesicoureteral reflux 2 (VUR2). Identifiers: Orphanet 289365, MedGen C1970483, MONDO:0012573, OMIM 610878.

gnomAD v4.1: 3 of 1,613,984 alleles (0.00019%); highest among the groups gnomAD compares: African/African-American, 0.004%; no homozygotes.

Submissions (3):

Ambry Genetics
Classification: Uncertain significance for Inborn genetic diseases. Last evaluated: 2025-09-10. Review status: criteria provided, single submitter. Criteria: Ambry Variant Classification Scheme 2023. Collection method: clinical testing. Allele origin: germline.

GeneDx
Classification: Uncertain significance. Last evaluated: 2024-05-21. Review status: criteria provided, single submitter. Criteria: GeneDx Variant Classification Process June 2021. Collection method: clinical testing. Allele origin: germline. Affected: yes.
Comment: Not observed at significant frequency in large population cohorts (gnomAD); In silico analysis indicates that this missense variant does not alter protein structure/function; Has not been previously published as pathogenic or benign to our knowledge

Fulgent Genetics
Classification: Uncertain significance for Vesicoureteral reflux 2. Last evaluated: 2024-03-13. Review status: criteria provided, single submitter. Criteria: ACMG Guidelines, 2015. Collection method: clinical testing. Allele origin: germline.

NM_001395656.1(ROBO2):c.4327G>A (p.Val1443Met)

Gene: ROBO2 (roundabout guidance receptor 2; plus strand). Cytogenetic location: 3p12.3.
Variant type: single nucleotide variant.
Coding change: c.4327G>A on transcript NM_001395656.1 (MANE Select); coding-DNA position 4327, G replaced by A.
Protein change: p.Val1443Met; replaces valine 1443 with methionine.
Molecular consequence: missense variant.
Genome position (GRCh38, 1-based): chr3:77,644,811, G>A. VCF-style: chr3-77644811-G-A. GRCh37 (hg19) VCF-style: chr3-77693962-G-A.
Other names: c.4090G>A, p.Val1364Met (NM_001128929.3); c.4054G>A, p.Val1352Met (NM_001290039.2); c.4237G>A, p.Val1413Met (NM_001290040.2, NM_001395657.1); c.2263G>A, p.Val755Met (NM_001290065.2); c.4375G>A, p.Val1459Met (NM_001378190.1); c.4501G>A, p.Val1501Met (NM_001378191.1); c.4396G>A, p.Val1466Met (NM_001378192.1); c.4315G>A, p.Val1439Met (NM_001378193.1); and 11 more; short protein forms V1310M, V1348M, V1349M, V1352M, V1364M, V1368M, V1371M, V1375M.
Identifiers: ClinVar variation 3381296 (VCV003381296.3).